The following is an entry in ClinVar:

NM_001540.5(HSPB1):c.615G>T (p.Lys205Asn)

Gene: HSPB1 (heat shock protein family B (small) member 1; plus strand). Cytogenetic location: 7q11.23.
Variant type: single nucleotide variant.
Coding change: c.615G>T on transcript NM_001540.5 (MANE Select); coding-DNA position 615, G replaced by T.
Protein change: p.Lys205Asn; replaces lysine 205 with asparagine.
Molecular consequence: missense variant.
Genome position (GRCh38, 1-based): chr7:76,304,170, G>T. VCF-style: chr7-76304170-G-T. GRCh37 (hg19) VCF-style: chr7-75933487-G-T.
Other names: short protein forms K205N.
Identifiers: ClinVar variation 850375 (VCV000850375.9), dbSNP rs1310856057, ClinGen allele CA367767717.
Genomic context (GRCh38, chr7:76,304,170, plus strand): 5'-CGAGTCGCGGGCCCAGCTTGGGGGCCCAGAAGCTGCAAAATCCGATGAGACTGCCGCCAA[G>T]TAAAGCCTTAGCCCGGATGCCCACCCCTGCTGCCGCCACTGGCTGTGCCTCCCCCGCCAC-3'
Protein context (NP_001531.1, residues 195-205): EAAKSDETAA[Lys205Asn]

ClinVar aggregate classification (germline): Uncertain significance (1 of 4 stars; one submission).

Conditions:
Charcot-Marie-Tooth disease axonal type 2F (CMT2F). Also called: Charcot-Marie-Tooth Neuropathy Type 2F; CHARCOT-MARIE-TOOTH DISEASE, NEURONAL, TYPE 2F. Identifiers: Orphanet 99940, MedGen C1847823, MONDO:0011687, OMIM 606595.

Allele frequency attached by ClinVar (database versions not stated): TOPMed below 0.00001; gnomAD exomes 0.00001.
gnomAD v4.1: 11 of 1,609,898 alleles (0.00068%); highest among the groups gnomAD compares: East Asian, 0.0022%; no homozygotes.

Submission:

Labcorp Genetics (formerly Invitae), Labcorp
Classification: Uncertain significance for Charcot-Marie-Tooth disease axonal type 2F. Last evaluated: 2019-02-26. Review status: criteria provided, single submitter. Criteria: Invitae Variant Classification Sherloc (09022015). Collection method: clinical testing. Allele origin: germline.
Comment: In summary, the available evidence is currently insufficient to determine the role of this variant in disease. Therefore, it has been classified as a Variant of Uncertain Significance. Algorithms developed to predict the effect of missense changes on protein structure and function (SIFT, PolyPhen-2, Align-GVGD) all suggest that this variant is likely to be disruptive, but these predictions have not been confirmed by published functional studies and their clinical significance is uncertain. This variant has not been reported in the literature in individuals with HSPB1-related conditions. This variant is not present in population databases (ExAC no frequency). This sequence change replaces lysine with asparagine at codon 205 of the HSPB1 protein (p.Lys205Asn). The lysine residue is highly conserved and there is a moderate physicochemical difference between lysine and asparagine.